The following is an entry in ClinVar:

NM_015046.7(SETX):c.7417C>G (p.Leu2473Val)

Gene: SETX (senataxin; minus strand). Cytogenetic location: 9q34.13.
Variant type: single nucleotide variant.
Coding change: c.7417C>G on transcript NM_015046.7 (MANE Select); coding-DNA position 7417, C replaced by G.
Protein change: p.Leu2473Val; replaces leucine 2473 with valine.
Molecular consequence: missense variant.
Genome position (GRCh38, 1-based): chr9:132,264,856, G>C on the plus strand (C>G on the coding strand, the complement: SETX is on the minus strand). VCF-style: chr9-132264856-G-C. GRCh37 (hg19) VCF-style: chr9-135140243-G-C.
Other names: c.7417C>G, p.Leu2473Val (NM_001351527.2); c.7504C>G, p.Leu2502Val (NM_001351528.2); short protein forms L2473V, L2502V.
Identifiers: ClinVar variation 493499 (VCV000493499.53), dbSNP rs760196991, ClinGen allele CA5296396.
Genomic context (GRCh38, chr9:132,264,856, plus strand): 5'-TGCTGGGCAAACCACCCTGGGGTCTGGACCCCTCTGGGGCTATGGTAGGAGGGTGAGTGA[G>C]ACTTCTCTGCAGCACAGGCTTGAGTTTCAGAATCTTCACTGCATCATGTCTATAGTTTTT-3'
Protein context (NP_055861.3, residues 2463-2483): LKLKPVLQRS[Leu2473Val]THPPTIAPEG

ClinVar aggregate classification (germline): Conflicting classifications of pathogenicity. Review status: criteria provided, conflicting classifications (1 of 4 stars). 7 submissions from 6 submitters: Uncertain significance (6); Benign (1). Last evaluated 2025-11-01.

Conditions:
SETX-related disorder. Also called: SETX-related disorders; SETX-related condition. Identifiers: MedGen CN239403.
Amyotrophic lateral sclerosis type 4 (ALS4). Also called: AMYOTROPHIC LATERAL SCLEROSIS 4, JUVENILE; NEURONOPATHY, DISTAL HEREDITARY MOTOR, WITH PYRAMIDAL FEATURES. Identifiers: Orphanet 357043, MedGen C1865409, MONDO:0011223, OMIM 602433.
Spinocerebellar ataxia, autosomal recessive, with axonal neuropathy 2 (SCAN2). Also called: Ataxia with Oculomotor Apraxia; Ataxia-ocular apraxia-2; Ataxia with Oculomotor Apraxia Type 2; ATAXIA-OCULOMOTOR APRAXIA 2. Identifiers: Orphanet 64753, MedGen C1853761, MONDO:0018996, OMIM 606002.

Allele frequency attached by ClinVar (database versions not stated): gnomAD 0.00001 and 0.00002; TOPMed 0.00002; ExAC 0.00003; gnomAD exomes 0.00004.
gnomAD v4.1: 50 of 1,614,044 alleles (0.0031%); highest among the groups gnomAD compares: South Asian, 0.027%; no homozygotes.

Submissions (7):

CeGaT Center for Human Genetics Tuebingen
Classification: Uncertain significance. Last evaluated: 2025-11-01. Review status: criteria provided, single submitter. Criteria: CeGaT Center For Human Genetics Tuebingen Variant Classification Criteria Version 2. Collection method: clinical testing. Allele origin: germline. Affected: yes. Observed: 2 variant alleles.
Comment: SETX: PM2

Labcorp Genetics (formerly Invitae), Labcorp
Classification: Benign for Amyotrophic lateral sclerosis type 4; Spinocerebellar ataxia, autosomal recessive, with axonal neuropathy 2. Last evaluated: 2025-10-04. Review status: criteria provided, single submitter. Criteria: Invitae Variant Classification Sherloc (09022015). Collection method: clinical testing. Allele origin: germline.

Genome-Nilou Lab
Classification: Uncertain significance for Spinocerebellar ataxia, autosomal recessive, with axonal neuropathy 2. Last evaluated: 2023-02-08. Review status: criteria provided, single submitter. Criteria: ACMG Guidelines, 2015. Collection method: clinical testing. Allele origin: germline.

Genome-Nilou Lab
Classification: Uncertain significance for Amyotrophic lateral sclerosis type 4. Last evaluated: 2023-02-08. Review status: criteria provided, single submitter. Criteria: ACMG Guidelines, 2015. Collection method: clinical testing. Allele origin: germline.

PreventionGenetics, part of Exact Sciences
Classification: Uncertain significance for SETX-related condition. Last evaluated: 2023-01-10. Review status: criteria provided, single submitter. Criteria: ACMG Guidelines, 2015. Collection method: clinical testing. Allele origin: germline.
Comment: The SETX c.7417C>G variant is predicted to result in the amino acid substitution p.Leu2473Val. This variant was reported as a variant of uncertain significance in an individual with spastic paraplegia and was inherited from a similarly affected father (Elert-Dobkowska et al 2019. PubMed ID: 30778698). This variant is reported in 0.026% of alleles in individuals of South Asian descent in gnomAD. At this time, the clinical significance of this variant is uncertain due to the absence of conclusive functional and genetic evidence.

GeneDx
Classification: Uncertain significance. Last evaluated: 2020-05-07. Review status: criteria provided, single submitter. Criteria: GeneDx Variant Classification Process June 2021. Collection method: clinical testing. Allele origin: germline. Affected: yes.
Comment: Reported as a single heterozygous variant in a patient with hereditary spastic paraplegia and the affected father (Elert-Dobkowska et al., 2019); In silico analysis supports that this missense variant does not alter protein structure/function; This variant is associated with the following publications: (PMID: 30778698)

Neuberg Centre For Genomic Medicine, NCGM
Classification: Uncertain significance for Amyotrophic lateral sclerosis type 4. Review status: criteria provided, single submitter. Criteria: ACMG Guidelines, 2015. Collection method: clinical testing. Allele origin: germline. Inheritance: Autosomal dominant inheritance. Affected: yes.
Comment: The missense variant c.7417C>G (p.Leu2473Val) in SETX gene has been reported in heterozygous state affected with Hereditary spastic paraplegia (ElertDobkowska E et al., 2019). The p.Asn541Asp variant has allele frequency 0.004% in the gnomAD exomes and novel in 1000 genome database. This variant has been reported to the ClinVar database as Uncertain Significance. The amino acid Leu at position 2473 is changed to a Val changing protein sequence and it might alter its composition and physico-chemical properties. The amino acid change p.Leu2473Val in SETX is predicted as conserved by GERP++ and PhyloP across 100 vertebrates. For these reasons, this variant has been classified as Uncertain Significance (VUS).